The following is an entry in ClinVar:

NM_001148.6(ANK2):c.2481T>C (p.Ile827=)

Gene: ANK2 (ankyrin 2; plus strand). Cytogenetic location: 4q26.
Variant type: single nucleotide variant.
Coding change: c.2481T>C on transcript NM_001148.6 (MANE Select); coding-DNA position 2481, T replaced by C.
Protein change: p.Ile827=; no amino-acid change (isoleucine 827 retained).
Molecular consequence: synonymous variant.
Genome position (GRCh38, 1-based): chr4:113,302,772, T>C. VCF-style: chr4-113302772-T-C. GRCh37 (hg19) VCF-style: chr4-114223928-T-C.
Other names: c.2418T>C, p.Ile806= (NM_001127493.3, NM_001354239.2, NM_001354243.2 and 10 more transcripts); c.2481T>C, p.Ile827= (NM_001354225.2, NM_001354228.2, NM_001354232.2 and 6 more transcripts); c.2526T>C, p.Ile842= (NM_001354230.2, NM_001354231.2, NM_001354237.2 and 5 more transcripts); c.2382T>C, p.Ile794= (NM_001354245.2, NM_001354268.2); c.2394T>C, p.Ile798= (NM_001354249.2, NM_001354264.2, NM_001354266.2 and 10 more transcripts); c.2319T>C, p.Ile773= (NM_001354253.2, NM_001354257.2, NM_001354270.2 and 1 more transcripts); c.2295T>C, p.Ile765= (NM_001354260.2, NM_001354271.2, NM_001386151.1); c.2439T>C, p.Ile813= (NM_001354261.2, NM_001386147.1, NM_001386160.1); and 9 more.
Identifiers: ClinVar variation 386772 (VCV000386772.6), dbSNP rs1057522599, ClinGen allele CA16604662.

ClinVar aggregate classification (germline): Likely benign. Review status: criteria provided, multiple submitters, no conflicts (2 of 4 stars). 3 submissions from 3 submitters: Likely benign (3). Last evaluated 2026-06-25.

Conditions:
Cardiovascular phenotype. Identifiers: MedGen CN230736.
Long QT syndrome (LQTS). Identifiers: MedGen C0023976, MeSH D008133, MONDO:0002442. Disease mechanism: loss of function. Inheritance: Various modes of inheritance.

Submissions (3):

Ambry Genetics
Classification: Likely benign for Cardiovascular phenotype. Last evaluated: 2026-06-25. Review status: criteria provided, single submitter. Criteria: Ambry Variant Classification Scheme 2023. Collection method: clinical testing. Allele origin: germline.

Labcorp Genetics (formerly Invitae), Labcorp
Classification: Likely benign for Long QT syndrome. Last evaluated: 2022-04-12. Review status: criteria provided, single submitter. Criteria: Invitae Variant Classification Sherloc (09022015). Collection method: clinical testing. Allele origin: germline.

GeneDx
Classification: Likely benign. Last evaluated: 2016-06-13. Review status: criteria provided, single submitter. Criteria: GeneDx Variant Classification (06012015). Collection method: clinical testing. Allele origin: germline. Affected: yes.
Comment: This variant is considered likely benign or benign based on one or more of the following criteria: it is a conservative change, it occurs at a poorly conserved position in the protein, it is predicted to be benign by multiple in silico algorithms, and/or has population frequency not consistent with disease.